The following is an entry in ClinVar:

ClinVar aggregate classification (germline): Pathogenic (1 of 4 stars; one submission).

Allele frequency attached by ClinVar (database versions not stated): gnomAD exomes below 0.00001; ExAC 0.00001; TOPMed 0.00001.
gnomAD v4.1: 4 of 1,614,134 alleles (0.00025%); highest among the groups gnomAD compares: Non-Finnish European, 0.00034%; no homozygotes.

Submission:

Labcorp Genetics (formerly Invitae), Labcorp
Classification: Pathogenic. Last evaluated: 2023-09-20. Review status: criteria provided, single submitter. Criteria: Invitae Variant Classification Sherloc (09022015). Collection method: clinical testing. Allele origin: germline.
Comment: For these reasons, this variant has been classified as Pathogenic. This variant has not been reported in the literature in individuals affected with TMPRSS3-related conditions. This variant is present in population databases (rs747580775, gnomAD 0.003%). This sequence change creates a premature translational stop signal (p.Lys266*) in the TMPRSS3 gene. It is expected to result in an absent or disrupted protein product. Loss-of-function variants in TMPRSS3 are known to be pathogenic (PMID: 16021470, 26969326).

Literature cited by the submitters: PubMed 16021470; PubMed 26969326.

NM_001256317.3(TMPRSS3):c.796A>T (p.Lys266Ter)

Gene: TMPRSS3 (transmembrane serine protease 3; minus strand). Cytogenetic location: 21q22.3.
Variant type: single nucleotide variant.
Coding change: c.796A>T on transcript NM_001256317.3 (MANE Select); coding-DNA position 796, A replaced by T.
Protein change: p.Lys266Ter; replaces lysine 266 with a stop codon.
Molecular consequence: nonsense.
Genome position (GRCh38, 1-based): chr21:42,382,221, T>A on the plus strand (A>T on the coding strand, the complement: TMPRSS3 is on the minus strand). VCF-style: chr21-42382221-T-A. GRCh37 (hg19) VCF-style: chr21-43802330-T-A.
Other names: c.796A>T, p.Lys266Ter (NM_024022.4, NM_032405.2); c.415A>T, p.Lys139Ter (NM_032404.3); short protein forms K266*, K139*.
Identifiers: ClinVar variation 3010536 (VCV003010536.3), dbSNP rs747580775, ClinGen allele CA10042451.
Genomic context (GRCh38, chr21:42,382,221, plus strand): 5'-AGTGGGATGGGGCTGGATTGTCCAACAGGGAAACTAGACCCACCTGGATGGTCCATGACT[T>A]GGGGAGGTACAAGCTGAAATGAGAAGAGCAAGAGGTGAAGCACAGGAAAAGTCCAACCAC-3'